The following is an entry in ClinVar:

ClinVar aggregate classification (germline): Uncertain significance (1 of 4 stars; one submission).

Conditions:
Joubert syndrome. Also called: CEREBELLOPARENCHYMAL DISORDER IV; JOUBERT-BOLTSHAUSER SYNDROME; Familial aplasia of the vermis. Identifiers: Orphanet 475, MedGen C5979921, MONDO:0018772.

Allele frequency attached by ClinVar (database versions not stated): gnomAD exomes 0.00001 and 0.00002; ExAC 0.00002.
gnomAD v4.1: 12 of 1,613,056 alleles (0.00074%); highest among the groups gnomAD compares: South Asian, 0.011%; no homozygotes.

Submission:

Labcorp Genetics (formerly Invitae), Labcorp
Classification: Uncertain significance for Joubert syndrome. Last evaluated: 2024-11-18. Review status: criteria provided, single submitter. Criteria: Invitae Variant Classification Sherloc (09022015). Collection method: clinical testing. Allele origin: germline.
Comment: This sequence change replaces valine, which is neutral and non-polar, with isoleucine, which is neutral and non-polar, at codon 709 of the AHI1 protein (p.Val709Ile). This variant is present in population databases (rs752009063, gnomAD 0.006%). This variant has not been reported in the literature in individuals affected with AHI1-related conditions. ClinVar contains an entry for this variant (Variation ID: 1463377). Invitae Evidence Modeling of protein sequence and biophysical properties (such as structural, functional, and spatial information, amino acid conservation, physicochemical variation, residue mobility, and thermodynamic stability) indicates that this missense variant is not expected to disrupt AHI1 protein function with a negative predictive value of 95%. In summary, the available evidence is currently insufficient to determine the role of this variant in disease. Therefore, it has been classified as a Variant of Uncertain Significance.

NM_001134831.2(AHI1):c.2125G>A (p.Val709Ile)

Gene: AHI1 (Abelson helper integration site 1; minus strand). Cytogenetic location: 6q23.3.
Variant type: single nucleotide variant.
Coding change: c.2125G>A on transcript NM_001134831.2 (MANE Select); coding-DNA position 2125, G replaced by A.
Protein change: p.Val709Ile; replaces valine 709 with isoleucine.
Molecular consequence: missense variant.
Genome position (GRCh38, 1-based): chr6:135,433,168, C>T on the plus strand (G>A on the coding strand, the complement: AHI1 is on the minus strand). VCF-style: chr6-135433168-C-T. GRCh37 (hg19) VCF-style: chr6-135754306-C-T.
Other names: c.2125G>A, p.Val709Ile (NM_001134830.2, NM_001134832.2, NM_001350503.2 and 2 more transcripts); short protein forms V709I.
Identifiers: ClinVar variation 1463377 (VCV001463377.6), dbSNP rs752009063, ClinGen allele CA4012436.
Genomic context (GRCh38, chr6:135,433,168, plus strand): 5'-TCTCAACTTTCCATATCCGTATCATGGAATCATAGCATCCTGTAACTACTAGCTCTCTTA[C>T]AGCTGGATGGAATTTAGCCGTGTAAACAAAAGAAGGATGAGGTAAAACTCTGAAAGTATT-3'
Protein context (NP_001128303.1, residues 699-719): FVYTAKFHPA[Val709Ile]RELVVTGCYD